The following is an entry in ClinVar:

ClinVar aggregate classification (germline): Uncertain significance. Review status: criteria provided, multiple submitters, no conflicts (2 of 4 stars). 4 submissions from 4 submitters: Uncertain significance (3). 1 of the submissions does not count toward it. Last evaluated 2026-09-14.

Conditions:
ATRX-related disorder. Also called: ATRX-related condition.
Inborn genetic diseases. Identifiers: MedGen C0950123, MeSH D030342.
Alpha thalassemia-X-linked intellectual disability syndrome (ATRX). Also called: ALPHA-THALASSEMIA/MENTAL RETARDATION SYNDROME, X-LINKED; X-linked alpha-thalassemia-mental retardation syndrome; ATR-X syndrome; Alpha thalassemia mental retardation syndrome, nondeletion type, X-linked; XLMR hypotonic face syndrome; ATR, NONDELETION TYPE. Identifiers: Orphanet 847, MedGen C1845055, MONDO:0010519, OMIM 301040.

Allele frequency attached by ClinVar (database versions not stated): TOPMed 0.00001; gnomAD exomes below 0.00001; gnomAD 0.00001.
gnomAD v4.1: 1 of 1,207,590 alleles (0.000083%); highest among the groups gnomAD compares: Non-Finnish European, 0.00011%; no homozygotes.

Submissions (4):

PreventionGenetics, part of Exact Sciences
Classification: Uncertain significance for ATRX-related condition. Last evaluated: 2026-09-14. Review status: criteria provided, single submitter. Criteria: ACMG Guidelines, 2015. Collection method: clinical testing. Allele origin: germline.
Comment: The ATRX c.3655G>A variant is predicted to result in the amino acid substitution p.Gly1219Arg. To our knowledge, this variant has not been reported in the literature or in a large population database (gnomAD), indicating this variant is rare. At this time, the clinical significance of this variant is uncertain due to the absence of conclusive functional and genetic evidence.

Ambry Genetics
Classification: Uncertain significance for Inborn genetic diseases. Last evaluated: 2024-11-15. Review status: criteria provided, single submitter. Criteria: Ambry Variant Classification Scheme 2023. Collection method: clinical testing. Allele origin: germline.

GeneDx
Classification: Uncertain significance. Last evaluated: 2022-05-04. Review status: criteria provided, single submitter. Criteria: GeneDx Variant Classification Process June 2021. Collection method: clinical testing. Allele origin: germline. Affected: yes.
Comment: Not observed at significant frequency in large population cohorts (gnomAD); In silico analysis supports that this missense variant does not alter protein structure/function; Has not been previously published as pathogenic or benign to our knowledge

Natera, Inc.
Classification: Uncertain significance for X-linked alpha-thalassemia-mental retardation syndrome. Last evaluated: 2021-08-02. Review status: no assertion criteria provided. Collection method: clinical testing. Allele origin: germline. Not counted in ClinVar's aggregate classification.

NM_000489.6(ATRX):c.3655G>A (p.Gly1219Arg)

Gene: ATRX (ATRX chromatin remodeler; minus strand). Cytogenetic location: Xq21.1.
Variant type: single nucleotide variant.
Coding change: c.3655G>A on transcript NM_000489.6 (MANE Select); coding-DNA position 3655, G replaced by A.
Protein change: p.Gly1219Arg; replaces glycine 1219 with arginine.
Molecular consequence: missense variant.
Genome position (GRCh38, 1-based): chrX:77,681,601, C>T on the plus strand (G>A on the coding strand, the complement: ATRX is on the minus strand). VCF-style: chrX-77681601-C-T. GRCh37 (hg19) VCF-style: chrX-76937093-C-T.
Other names: c.3541G>A, p.Gly1181Arg (NM_138270.5); c.3655G>A (NM_000489.4); short protein forms G1219R, G1181R.
Identifiers: ClinVar variation 393120 (VCV000393120.8), dbSNP rs1057524797, ClinGen allele CA16609213.